The following is an entry in ClinVar:

ClinVar aggregate classification (germline): Benign (1 of 4 stars; one submission).

Allele frequency attached by ClinVar (database versions not stated): 1000 Genomes Project 30x 0.00016; 1000 Genomes Project 0.00020; gnomAD 0.00059; TOPMed 0.00065; ESP Exome Variant Server 0.00082; ExAC 0.00109.
gnomAD v4.1: 1,085 of 1,611,978 alleles (0.067%); highest among the groups gnomAD compares: Non-Finnish European, 0.048%; 7 homozygotes.

Submission:

CeGaT Center for Human Genetics Tuebingen
Classification: Benign. Last evaluated: 2023-04-01. Review status: criteria provided, single submitter. Criteria: CeGaT Center For Human Genetics Tuebingen Variant Classification Criteria Version 2. Collection method: clinical testing. Allele origin: germline. Affected: yes. Observed: 1 variant allele.
Comment: MUC5B: BP4, BS1, BS2

NM_002458.3(MUC5B):c.6206C>T (p.Thr2069Met)

Genes: MUC5B (mucin 5B, oligomeric mucus/gel-forming; plus strand), MUC5B-AS1 (MUC5B antisense RNA 1; minus strand). Cytogenetic location: 11p15.5.
Variant type: single nucleotide variant.
Coding change: c.6206C>T on transcript NM_002458.3 (MANE Select); coding-DNA position 6206, C replaced by T.
Protein change: p.Thr2069Met; replaces threonine 2069 with methionine.
Molecular consequence: missense variant.
Genome position (GRCh38, 1-based): chr11:1,243,086, C>T. VCF-style: chr11-1243086-C-T. GRCh37 (hg19) VCF-style: chr11-1264316-C-T.
Other names: short protein forms T2069M.
Identifiers: ClinVar variation 2641214 (VCV002641214.24), dbSNP rs200274332, ClinGen allele CA5805945.